The following is an entry in ClinVar:

NM_000214.3(JAG1):c.151A>T (p.Asn51Tyr)

Gene: JAG1 (jagged canonical Notch ligand 1; minus strand). Cytogenetic location: 20p12.2.
Variant type: single nucleotide variant.
Coding change: c.151A>T on transcript NM_000214.3 (MANE Select); coding-DNA position 151, A replaced by T.
Protein change: p.Asn51Tyr; replaces asparagine 51 with tyrosine.
Molecular consequence: missense variant.
Genome position (GRCh38, 1-based): chr20:10,672,937, T>A on the plus strand (A>T on the coding strand, the complement: JAG1 is on the minus strand). VCF-style: chr20-10672937-T-A. GRCh37 (hg19) VCF-style: chr20-10653585-T-A.
Other names: short protein forms N51Y.
Identifiers: ClinVar variation 3573420 (VCV003573420.2).
Genomic context (GRCh38, chr20:10,672,937, plus strand): 5'-ACTCGTCGCGGGTGCACTTGCGGTCTCCCGGGTTCCGGGCGCCGCCGCAGCAGTTCCCGT[T>A]CTGCAGCTCCCCGTTCACGTTCTGCATGGACAGGATCTCCAACTCGAACTGACCCGAGGC-3'
Protein context (NP_000205.1, residues 41-61): SMQNVNGELQ[Asn51Tyr]GNCCGGARNP

Conditions:
Arteriohepatic dysplasia. Also called: Alagille Syndrome. Identifiers: Orphanet 52, MedGen C0085280, MeSH D016738, MONDO:0007318.

Submission:

Gilbert/Spinner Lab, Children's Hospital of Philadelphia
No classification provided (evidence only). Condition: Alagille syndrome. Review status: no classification provided. Collection method: research. Allele origin: not applicable. Functional consequence: functionally_abnormal.
ClinVar note: "not provided" was previously submitted as the classification for the variant. However, the classification appeared to be based only on an observation of functional data so it was converted to no classification on 2025-07-30.